The following is an entry in ClinVar:

ClinVar aggregate classification (germline): Uncertain significance. Review status: criteria provided, multiple submitters, no conflicts (2 of 4 stars). 2 submissions from 2 submitters: Uncertain significance (2). Last evaluated 2024-11-28.

Conditions:
Cardiovascular phenotype. Identifiers: MedGen CN230736.
Primary familial hypertrophic cardiomyopathy (HCM). Identifiers: Orphanet 99739, MedGen C0949658, MeSH D024741, MONDO:0024573. Inheritance: Various modes of inheritance.
Dilated cardiomyopathy 1AA (CMD1AA). Also called: CARDIOMYOPATHY, DILATED, 1AA, WITH OR WITHOUT LEFT VENTRICULAR NONCOMPACTION; CARDIOMYOPATHY, FAMILIAL HYPERTROPHIC, 23, WITH OR WITHOUT LEFT VENTRICULAR NONCOMPACTION; Cardiomyopathy, dilated, 1AA, with or without LVNC. Identifiers: Orphanet 154, MedGen C2677338, MONDO:0012808, OMIM 612158.

Allele frequency attached by ClinVar (database versions not stated): gnomAD exomes below 0.00001.
gnomAD v4.1: 1 of 1,614,178 alleles (0.000062%); highest among the groups gnomAD compares: Non-Finnish European, 0.000085%; no homozygotes.

Submissions (2):

Labcorp Genetics (formerly Invitae), Labcorp
Classification: Uncertain significance for Primary familial hypertrophic cardiomyopathy; Dilated cardiomyopathy 1AA. Last evaluated: 2024-11-28. Review status: criteria provided, single submitter. Criteria: Invitae Variant Classification Sherloc (09022015). Collection method: clinical testing. Allele origin: germline.
Comment: This sequence change replaces asparagine, which is neutral and polar, with serine, which is neutral and polar, at codon 736 of the ACTN2 protein (p.Asn736Ser). This variant is present in population databases (no rsID available, gnomAD 0.0009%). This variant has not been reported in the literature in individuals affected with ACTN2-related conditions. ClinVar contains an entry for this variant (Variation ID: 2932005). Invitae Evidence Modeling of protein sequence and biophysical properties (such as structural, functional, and spatial information, amino acid conservation, physicochemical variation, residue mobility, and thermodynamic stability) indicates that this missense variant is not expected to disrupt ACTN2 protein function with a negative predictive value of 80%. In summary, the available evidence is currently insufficient to determine the role of this variant in disease. Therefore, it has been classified as a Variant of Uncertain Significance.

Ambry Genetics
Classification: Uncertain significance for Cardiovascular phenotype. Last evaluated: 2023-12-11. Review status: criteria provided, single submitter. Criteria: Ambry Variant Classification Scheme 2023. Collection method: clinical testing. Allele origin: germline.
Comment: The p.N736S variant (also known as c.2207A>G), located in coding exon 18 of the ACTN2 gene, results from an A to G substitution at nucleotide position 2207. The asparagine at codon 736 is replaced by serine, an amino acid with highly similar properties. This amino acid position is conserved. In addition, this alteration is predicted to be tolerated by in silico analysis. Since supporting evidence is limited at this time, the clinical significance of this alteration remains unclear.

NM_001103.4(ACTN2):c.2207A>G (p.Asn736Ser)

Gene: ACTN2 (actinin alpha 2; plus strand). Cytogenetic location: 1q43.
Variant type: single nucleotide variant.
Coding change: c.2207A>G on transcript NM_001103.4 (MANE Select); coding-DNA position 2207, A replaced by G.
Protein change: p.Asn736Ser; replaces asparagine 736 with serine.
Molecular consequence: missense variant. On other transcripts: non-coding transcript variant (1).
Genome position (GRCh38, 1-based): chr1:236,757,538, A>G. VCF-style: chr1-236757538-A-G. GRCh37 (hg19) VCF-style: chr1-236920838-A-G.
Other names: c.2207A>G (NM_001103.2); c.2207A>G, p.Asn736Ser (NM_001278343.2); c.1583A>G, p.Asn528Ser (NM_001278344.2); c.1457A>G, p.Asn486Ser (NM_001412150.1); short protein forms N486S, N736S, N528S.
Identifiers: ClinVar variation 2932005 (VCV002932005.4), dbSNP rs1350703409, ClinGen allele CA345388819.